The following is an entry in ClinVar:

ClinVar aggregate classification (germline): Uncertain significance (1 of 4 stars; one submission).

Conditions:
Intellectual developmental disorder, X-linked, syndromic, Siderius type. Also called: Syndromic X-linked intellectual disability Siderius type. Identifiers: Orphanet 85287, MedGen C1846055, MONDO:0010286, OMIM 300263.

gnomAD v4.1: 6 of 1,197,077 alleles (0.0005%); highest among the groups gnomAD compares: South Asian, 0.0018%; no homozygotes.

Submission:

Victorian Clinical Genetics Services, Murdoch Childrens Research Institute
Classification: Uncertain significance for Intellectual developmental disorder, X-linked, syndromic, Siderius type. Last evaluated: 2022-02-02. Review status: criteria provided, single submitter. Criteria: ACMG Guidelines, 2015. Collection method: clinical testing. Allele origin: germline. Inheritance: X-linked recessive inheritance. Affected: yes.
Comment: Based on the classification scheme VCGS_Germline_v1.3.4, this variant is classified as VUS-3A. Following criteria are met: 0102 - Loss of function is a known mechanism of disease in this gene and is associated with PHF8-related neurodevelopmental syndrome (MIM#300263). (I) 0109 - This gene is associated with X-linked recessive disease. (I) 0200 - Variant is predicted to result in a missense amino acid change from arginine to glutamine. (I) 0253 - This variant is hemizygous. (I) 0301 - Variant is absent from gnomAD (both v2 and v3). (SP) 0502 - Missense variant with conflicting in silico predictions and uninformative conservation. (I) 0603 - Missense variant in a region that is highly intolerant to missense variation (high constraint region in DECIPHER). (SP) 0705 - No comparable missense variants have previous evidence for pathogenicity. (I) 0807 - This variant has no previous evidence of pathogenicity. (I) 0905 - No published segregation evidence has been identified for this variant. (I) 1007 - No published functional evidence has been identified for this variant. (I) 1208 - Inheritance information for this variant is not currently available in this individual. (I) Legend: (SP) - Supporting pathogenic, (I) - Information, (SB) - Supporting benign

NM_015107.3(PHF8):c.2492G>A (p.Arg831Gln)

Gene: PHF8 (PHD finger protein 8; minus strand). Cytogenetic location: Xp11.22.
Variant type: single nucleotide variant.
Coding change: c.2492G>A on transcript NM_015107.3 (MANE Select); coding-DNA position 2492, G replaced by A.
Protein change: p.Arg831Gln; replaces arginine 831 with glutamine.
Molecular consequence: missense variant.
Genome position (GRCh38, 1-based): chrX:53,962,891, C>T on the plus strand (G>A on the coding strand, the complement: PHF8 is on the minus strand). VCF-style: chrX-53962891-C-T. GRCh37 (hg19) VCF-style: chrX-53989324-C-T.
Other names: c.2600G>A, p.Arg867Gln (NM_001184896.1); c.2189G>A, p.Arg730Gln (NM_001184897.2); c.2441G>A, p.Arg814Gln (NM_001184898.2); short protein forms R730Q, R814Q, R831Q, R867Q.
Identifiers: ClinVar variation 1699452 (VCV001699452.3), dbSNP rs2149796421, ClinGen allele CA413246099.
Genomic context (GRCh38, chrX:53,962,891, plus strand): 5'-AATACTAGATTACCTTTAGGACTCCATGGAGCATCATCTGAATTCTTCTTTTTCTTGGGT[C>T]GAGATTTCAAAGCAGGGTCATCATCATCAGACTCCAGTGAAGGATAGACTGCAGGGAGAA-3'
Protein context (NP_055922.1, residues 821-841): SDDDDPALKS[Arg831Gln]PKKKKNSDDA